The following is an entry in ClinVar:

ClinVar aggregate classification (germline): Pathogenic/Likely pathogenic. Review status: criteria provided, multiple submitters, no conflicts (2 of 4 stars). 2 submissions from 2 submitters: Pathogenic (1); Likely pathogenic (1). Last evaluated 2024-06-12.

Conditions:
LRAT-related disorder. Also called: LRAT-related condition.

Submissions (2):

Labcorp Genetics (formerly Invitae), Labcorp
Classification: Pathogenic. Last evaluated: 2024-06-12. Review status: criteria provided, single submitter. Criteria: Invitae Variant Classification Sherloc (09022015). Collection method: clinical testing. Allele origin: germline.
Comment: This sequence change creates a premature translational stop signal (p.Arg36Thrfs*22) in the LRAT gene. It is expected to result in an absent or disrupted protein product. Loss-of-function variants in LRAT are known to be pathogenic (PMID: 22559933, 24265693). This variant is present in population databases (rs776629244, gnomAD 0.006%). This variant has not been reported in the literature in individuals affected with LRAT-related conditions. For these reasons, this variant has been classified as Pathogenic.

Blueprint Genetics
Classification: Likely pathogenic for LRAT-related disorders. Last evaluated: 2021-02-26. Review status: criteria provided, single submitter. Criteria: ACMG Guidelines, 2015. Collection method: clinical testing. Allele origin: germline. Affected: yes. Observed: 1 variant allele.

Literature cited by the submitters: PubMed 22559933 (cited by Labcorp Genetics (formerly Invitae), Labcorp); PubMed 24265693 (cited by Labcorp Genetics (formerly Invitae), Labcorp).

NM_004744.5(LRAT):c.105_108del (p.Arg36fs)

Gene: LRAT (lecithin retinol acyltransferase; plus strand). Cytogenetic location: 4q32.1.
Variant type: Deletion.
Coding change: c.105_108del on transcript NM_004744.5 (MANE Select); coding-DNA positions 105 to 108, 4 bases deleted (GAGG; older notation c.105_108delGAGG).
Protein change: p.Arg36fs; shifts the reading frame from arginine 36.
Molecular consequence: frameshift variant.
Genome position (GRCh38, 1-based): chr4:154,744,431-154,744,434, GAGG deleted; deleting any 4 consecutive bases within chr4:154,744,428-154,744,434 gives the same sequence; the c. name uses the placement nearest the transcript's 3' end. VCF-style (leftmost placement, unchanged base first): chr4-154744427-AAGGG-A. GRCh37 (hg19) VCF-style: chr4-155665579-AAGGG-A.
Other names: c.105_108del, p.Arg36fs (NM_001301645.2); short protein forms R36fs.
Identifiers: ClinVar variation 3702659 (VCV003702659.3).